The following is an entry in ClinVar:

ClinVar aggregate classification (germline): Pathogenic. Review status: criteria provided, multiple submitters, no conflicts (2 of 4 stars). 2 submissions from 2 submitters: Pathogenic (2). Last evaluated 2023-11-14.

Conditions:
Maple syrup urine disease (MSUD). Identifiers: Orphanet 511, MedGen C0024776, MeSH D008375, MONDO:0009563. Disease mechanism: loss of function.
Maple syrup urine disease type 1A (MSUD1A). Also called: MSUD type 1A. Identifiers: MedGen C1855369, MONDO:0023691, OMIM 248600.

Submissions (2):

Baylor Genetics
Classification: Pathogenic for Maple syrup urine disease type 1A. Last evaluated: 2023-11-14. Review status: criteria provided, single submitter. Criteria: ACMG Guidelines, 2015. Collection method: clinical testing. Allele origin: unknown.

Labcorp Genetics (formerly Invitae), Labcorp
Classification: Pathogenic for Maple syrup urine disease. Last evaluated: 2021-03-08. Review status: criteria provided, single submitter. Criteria: Invitae Variant Classification Sherloc (09022015). Collection method: clinical testing. Allele origin: germline.
Comment: This sequence change affects a donor splice site in intron 4 of the BCKDHB gene. It is expected to disrupt RNA splicing. Variants that disrupt the donor or acceptor splice site typically lead to a loss of protein function (PMID: 16199547), and loss-of-function variants in BCKDHB are known to be pathogenic (PMID: 16786533, 22593002). This variant is not present in population databases (ExAC no frequency). This variant has been observed in individual(s) with maple syrup urine disease (PMID: 31119508). Algorithms developed to predict the effect of sequence changes on RNA splicing suggest that this variant may disrupt the consensus splice site, but this prediction has not been confirmed by published transcriptional studies. For these reasons, this variant has been classified as Pathogenic.

Literature cited by the submitters: PubMed 16199547 (cited by Labcorp Genetics (formerly Invitae), Labcorp); PubMed 16786533 (cited by Labcorp Genetics (formerly Invitae), Labcorp); PubMed 22593002 (cited by Labcorp Genetics (formerly Invitae), Labcorp); PubMed 31119508 (cited by Labcorp Genetics (formerly Invitae), Labcorp).

NM_183050.4(BCKDHB):c.477+1G>A

Gene: BCKDHB (branched chain keto acid dehydrogenase E1 subunit beta; plus strand). Cytogenetic location: 6q14.1.
Variant type: single nucleotide variant.
Coding change: c.477+1G>A on transcript NM_183050.4 (MANE Select); the canonical splice donor site of the intron after coding-DNA position 477, G replaced by A.
Molecular consequence: splice donor variant.
Genome position (GRCh38, 1-based): chr6:80,167,812, G>A. VCF-style: chr6-80167812-G-A. GRCh37 (hg19) VCF-style: chr6-80877529-G-A.
Other names: c.267+1G>A (NM_001318975.1); c.477+1G>A (NM_000056.5, NM_183050.3).
Identifiers: ClinVar variation 1457763 (VCV001457763.11), dbSNP rs1002472211, ClinGen allele CA142283916.